The following is an entry in ClinVar:

ClinVar aggregate classification (germline): Likely pathogenic (1 of 4 stars; one submission).

Conditions:
Familial cancer of breast. Also called: hereditary breast carcinoma; BREAST CANCER, FAMILIAL; Hereditary breast cancer. Identifiers: Orphanet 227535, MedGen C0346153, MONDO:0016419, OMIM 114480. Disease mechanism: loss of function.

Submission:

Labcorp Genetics (formerly Invitae), Labcorp
Classification: Likely pathogenic for Familial cancer of breast. Last evaluated: 2025-02-18. Review status: criteria provided, single submitter. Criteria: Invitae Variant Classification Sherloc (09022015). Collection method: clinical testing. Allele origin: germline.
Comment: This sequence change creates a premature translational stop signal (p.Phe495Valfs*7) in the CHEK2 gene. While this is not anticipated to result in nonsense mediated decay, it is expected to disrupt the last 49 amino acid(s) of the CHEK2 protein. This variant is not present in population databases (gnomAD no frequency). This variant has not been reported in the literature in individuals affected with CHEK2-related conditions. This variant disrupts the nuclear localization signal (NLS) of the CHEK2 protein, which is critical for proper nuclear localization (PMID: 18004398, 12909615). While functional studies have not been performed to directly test the effect of this variant on CHEK2 protein function, this suggests that disruption of this region of the protein is causative of disease. In summary, the currently available evidence indicates that the variant is pathogenic, but additional data are needed to prove that conclusively. Therefore, this variant has been classified as Likely Pathogenic.

Literature cited by the submitters: PubMed 18004398; PubMed 12909615.

NM_007194.4(CHEK2):c.1481dup (p.Phe495fs)

Gene: CHEK2 (checkpoint kinase 2; minus strand). Cytogenetic location: 22q12.1.
Variant type: Duplication.
Coding change: c.1481dup on transcript NM_007194.4 (MANE Select); coding-DNA position 1481, one base duplicated (A; older notation c.1481dupA).
Protein change: p.Phe495fs; shifts the reading frame from phenylalanine 495.
Molecular consequence: frameshift variant.
Genome position (GRCh38, 1-based): chr22:28,689,196, T duplicated on the plus strand (A on the coding strand, the reverse complement: CHEK2 is on the minus strand); the first of 3 consecutive T bases (chr22:28,689,196-28,689,198); duplicating any one gives the same sequence. VCF-style (leftmost placement, unchanged base first): chr22-28689195-C-CT. GRCh37 (hg19) VCF-style: chr22-29085183-C-CT.
Other names: c.1610dup, p.Phe538fs (NM_001005735.3); c.818dup, p.Phe274fs (NM_001257387.3, NM_001437942.1); c.1280dup, p.Phe428fs (NM_001349956.3); c.1574dup, p.Phe526fs (NM_001438293.1); c.1523dup, p.Phe509fs (NM_001438294.1); c.1487dup, p.Phe497fs (NM_001438295.1); c.1394dup, p.Phe466fs (NM_145862.3); short protein forms F466fs, F497fs, F509fs, F526fs, F428fs, F538fs, F274fs, F495fs.
Identifiers: ClinVar variation 4713342 (VCV004713342.1).